The following is an entry in ClinVar:

NM_004171.4(SLC1A2):c.1540A>G (p.Ile514Val)

Gene: SLC1A2 (solute carrier family 1 member 2; minus strand). Cytogenetic location: 11p13.
Variant type: single nucleotide variant.
Coding change: c.1540A>G on transcript NM_004171.4 (MANE Select); coding-DNA position 1540, A replaced by G.
Protein change: p.Ile514Val; replaces isoleucine 514 with valine.
Molecular consequence: missense variant.
Genome position (GRCh38, 1-based): chr11:35,265,640, T>C on the plus strand (A>G on the coding strand, the complement: SLC1A2 is on the minus strand). VCF-style: chr11-35265640-T-C. GRCh37 (hg19) VCF-style: chr11-35287187-T-C.
Other names: c.1513A>G, p.Ile505Val (NM_001195728.3, NM_001252652.2, NM_001439341.1); c.1528A>G, p.Ile510Val (NM_001439342.1); c.1306A>G, p.Ile436Val (NM_001439343.1); short protein forms I436V, I505V, I510V, I514V.
Identifiers: ClinVar variation 4531922 (VCV004531922.1).

ClinVar aggregate classification (germline): Uncertain significance (1 of 4 stars; one submission).

Conditions:
Developmental and epileptic encephalopathy, 41 (DEE41). Also called: Epileptic encephalopathy, early infantile, 41. Identifiers: MedGen C4310717, MONDO:0014916, OMIM 617105.

Submission:

Victorian Clinical Genetics Services, Murdoch Childrens Research Institute
Classification: Uncertain significance for Developmental and epileptic encephalopathy, 41. Last evaluated: 2024-12-18. Review status: criteria provided, single submitter. Criteria: ACMG Guidelines, 2015. Collection method: clinical testing. Allele origin: germline. Affected: yes.
Comment: This variant is classified as VUS-3B. Evidence in support of pathogenic classification: Variant is absent from gnomAD (v2, v3 and v4). Evidence in support of benign classification: Missense variant predicted to be tolerated by in silico tool(s) or not conserved in placental mammals with a minor amino acid change. Additional information: Variant is predicted to result in a missense amino acid change from isoleucine to valine; This variant is heterozygous; This gene is associated with autosomal dominant disease; Alternative amino acid change(s) at the same position are present in gnomAD (Highest allele count: v4: 1 heterozygote(s), 0 homozygote(s)); This variant has no previous evidence of pathogenicity; No published segregation evidence has been identified for this variant; No published functional evidence has been identified for this variant; Another missense variant(s) comparable to the one identified in this case has inconclusive previous evidence for pathogenicity. p.(Ile514Thr) has been classified as a VUS by a diagnostic laboratory in ClinVar; Variant is not located in an established domain, motif, hotspot or informative constraint region; The mechanism of disease for this gene is not clearly established. However, both loss of function and dominant have been suggested (PMID: 30937933, 36543780); Inheritance information for this variant is not currently available in this individual.

Literature cited by the submitters: PubMed 30937933; PubMed 36543780.